The following is an entry in ClinVar:

NM_024642.5(GALNT12):c.530A>G (p.Tyr177Cys)

Gene: GALNT12 (polypeptide N-acetylgalactosaminyltransferase 12; plus strand). Cytogenetic location: 9q22.33.
Variant type: single nucleotide variant.
Coding change: c.530A>G on transcript NM_024642.5 (MANE Select); coding-DNA position 530, A replaced by G.
Protein change: p.Tyr177Cys; replaces tyrosine 177 with cysteine.
Molecular consequence: missense variant.
Genome position (GRCh38, 1-based): chr9:98,823,414, A>G. VCF-style: chr9-98823414-A-G. GRCh37 (hg19) VCF-style: chr9-101585696-A-G.
Other names: short protein forms Y177C.
Identifiers: ClinVar variation 1483627 (VCV001483627.8), dbSNP rs867136237, ClinGen allele CA196816673.

ClinVar aggregate classification (germline): Uncertain significance (1 of 4 stars; one submission).

Allele frequency attached by ClinVar (database versions not stated): gnomAD exomes below 0.00001.
gnomAD v4.1: 1 of 1,614,086 alleles (0.000062%); highest among the groups gnomAD compares: Middle Eastern, 0.017%; no homozygotes.

Submission:

Labcorp Genetics (formerly Invitae), Labcorp
Classification: Uncertain significance. Last evaluated: 2021-04-02. Review status: criteria provided, single submitter. Criteria: Invitae Variant Classification Sherloc (09022015). Collection method: clinical testing. Allele origin: germline.
Comment: Algorithms developed to predict the effect of missense changes on protein structure and function are either unavailable or do not agree on the potential impact of this missense change (SIFT: "Deleterious"; PolyPhen-2: "Probably Damaging"; Align-GVGD: "Class C0"). In summary, the available evidence is currently insufficient to determine the role of this variant in disease. Therefore, it has been classified as a Variant of Uncertain Significance. This variant has not been reported in the literature in individuals with GALNT12-related conditions. This variant is not present in population databases (ExAC no frequency). This sequence change replaces tyrosine with cysteine at codon 177 of the GALNT12 protein (p.Tyr177Cys). The tyrosine residue is highly conserved and there is a large physicochemical difference between tyrosine and cysteine.